The following is an entry in ClinVar:

ClinVar aggregate classification (germline): Uncertain significance. Review status: criteria provided, multiple submitters, no conflicts (2 of 4 stars). 2 submissions from 2 submitters: Uncertain significance (2). Last evaluated 2024-03-24.

Conditions:
Cardiovascular phenotype. Identifiers: MedGen CN230736.
X-linked myopathy with postural muscle atrophy. Also called: FHL1-Related Emery-Dreifuss Muscular Dystrophy, X-Linked. Identifiers: Orphanet 178461, MedGen C2678055, MONDO:0010401, OMIM 300696.

gnomAD v4.1: 1 of 1,211,447 alleles (0.000083%); highest among the groups gnomAD compares: Non-Finnish European, 0.00011%; no homozygotes.

Submissions (2):

Ambry Genetics
Classification: Uncertain significance for Cardiovascular phenotype. Last evaluated: 2024-03-24. Review status: criteria provided, single submitter. Criteria: Ambry Variant Classification Scheme 2023. Collection method: clinical testing. Allele origin: germline.
Comment: The p.L259V variant (also known as c.775C>G), located in coding exon 5 of the FHL1 gene, results from a C to G substitution at nucleotide position 775. The leucine at codon 259 is replaced by valine, an amino acid with highly similar properties. This amino acid position is conserved. In addition, this alteration is predicted to be deleterious by in silico analysis. Based on the available evidence, the clinical significance of this alteration remains unclear.

Labcorp Genetics (formerly Invitae), Labcorp
Classification: Uncertain significance for X-linked myopathy with postural muscle atrophy. Last evaluated: 2021-05-03. Review status: criteria provided, single submitter. Criteria: Invitae Variant Classification Sherloc (09022015). Collection method: clinical testing. Allele origin: germline.
Comment: In summary, the available evidence is currently insufficient to determine the role of this variant in disease. Therefore, it has been classified as a Variant of Uncertain Significance. This sequence change replaces leucine with valine at codon 259 of the FHL1 protein (p.Leu259Val). The leucine residue is highly conserved and there is a small physicochemical difference between leucine and valine. This variant is not present in population databases (ExAC no frequency). This variant has not been reported in the literature in individuals with FHL1-related conditions. Algorithms developed to predict the effect of missense changes on protein structure and function are either unavailable or do not agree on the potential impact of this missense change (SIFT: "Deleterious"; PolyPhen-2: "Probably Damaging"; Align-GVGD: "Class C0").

NM_001159699.2(FHL1):c.823C>G (p.Leu275Val)

Gene: FHL1 (four and a half LIM domains 1; plus strand). Cytogenetic location: Xq26.3.
Variant type: single nucleotide variant.
Coding change: c.823C>G on transcript NM_001159699.2 (MANE Select); coding-DNA position 823, C replaced by G.
Protein change: p.Leu275Val; replaces leucine 275 with valine.
Molecular consequence: missense variant. On other transcripts: non-coding transcript variant (1), 3 prime UTR variant (6).
Genome position (GRCh38, 1-based): chrX:136,209,957, C>G. VCF-style: chrX-136209957-C-G. GRCh37 (hg19) VCF-style: chrX-135292116-C-G.
Other names: c.775C>G, p.Leu259Val (NM_001159700.2, NM_001449.5, NM_001159704.1 and 4 more transcripts); c.862C>G, p.Leu288Val (NM_001159701.2); c.*3C>G (NM_001159702.3, NM_001159703.2, NM_001330659.2 and 3 more transcripts); c.775C>G (NM_001449.4); short protein forms L288V, L275V, L259V.
Identifiers: ClinVar variation 1463140 (VCV001463140.9), dbSNP rs2148383784, ClinGen allele CA414609813.